The following is an entry in ClinVar:

NM_015662.3(IFT172):c.2919A>G (p.Leu973=)

Gene: IFT172 (intraflagellar transport 172; minus strand). Cytogenetic location: 2p23.3.
Variant type: single nucleotide variant.
Coding change: c.2919A>G on transcript NM_015662.3 (MANE Select); coding-DNA position 2919, A replaced by G.
Protein change: p.Leu973=; no amino-acid change (leucine 973 retained).
Molecular consequence: synonymous variant.
Genome position (GRCh38, 1-based): chr2:27,458,182, T>C on the plus strand (A>G on the coding strand, the complement: IFT172 is on the minus strand). VCF-style: chr2-27458182-T-C. GRCh37 (hg19) VCF-style: chr2-27681049-T-C.
Other names: c.2919A>G (NM_015662.2).
Identifiers: ClinVar variation 1623208 (VCV001623208.9), dbSNP rs1480327016, ClinGen allele CA425402825.

ClinVar aggregate classification (germline): Likely benign. Review status: criteria provided, multiple submitters, no conflicts (2 of 4 stars). 2 submissions from 2 submitters: Likely benign (2). Last evaluated 2025-11-14.

Conditions:
Short-rib thoracic dysplasia 10 with or without polydactyly (SRTD10). Identifiers: Orphanet 474, MedGen C3810175, MONDO:0014284, OMIM 615630.
Retinitis pigmentosa 71 (RP71). Identifiers: Orphanet 791, MedGen C4225342, MONDO:0014618, OMIM 616394.
IFT172-related disorder. Also called: IFT172-related disorders; IFT172-related condition.

Allele frequency attached by ClinVar (database versions not stated): gnomAD 0.00001; gnomAD exomes 0.00001 and 0.00002; TOPMed 0.00001.
gnomAD v4.1: 14 of 1,614,040 alleles (0.00087%); highest among the groups gnomAD compares: Admixed American, 0.0033%; no homozygotes.

Submissions (2):

PreventionGenetics, part of Exact Sciences
Classification: Likely benign for IFT172-related condition. Last evaluated: 2025-11-14. Review status: criteria provided, single submitter. Criteria: ACMG Guidelines, 2015. Collection method: clinical testing. Allele origin: germline.
Comment: This variant is classified as likely benign based on ACMG/AMP sequence variant interpretation guidelines (Richards et al. 2015 PMID: 25741868, with internal and published modifications).

Labcorp Genetics (formerly Invitae), Labcorp
Classification: Likely benign for Retinitis pigmentosa 71; Short-rib thoracic dysplasia 10 with or without polydactyly. Last evaluated: 2025-08-18. Review status: criteria provided, single submitter. Criteria: Invitae Variant Classification Sherloc (09022015). Collection method: clinical testing. Allele origin: germline.